The following is an entry in ClinVar:

ClinVar aggregate classification (germline): Uncertain significance. Review status: criteria provided, multiple submitters, no conflicts (2 of 4 stars). 2 submissions from 2 submitters: Uncertain significance (2). Last evaluated 2025-11-04.

Conditions:
Inborn genetic diseases. Identifiers: MedGen C0950123, MeSH D030342.

gnomAD v4.1: 6 of 1,600,374 alleles (0.00037%); highest among the groups gnomAD compares: Non-Finnish European, 0.00051%; no homozygotes.

Submissions (2):

Labcorp Genetics (formerly Invitae), Labcorp
Classification: Uncertain significance. Last evaluated: 2025-11-04. Review status: criteria provided, single submitter. Criteria: Invitae Variant Classification Sherloc (09022015). Collection method: clinical testing. Allele origin: germline.
Comment: This sequence change replaces threonine, which is neutral and polar, with isoleucine, which is neutral and non-polar, at codon 455 of the JAK2 protein (p.Thr455Ile). This variant is not present in population databases (gnomAD no frequency). This variant has not been reported in the literature in individuals affected with JAK2-related conditions. ClinVar contains an entry for this variant (Variation ID: 3531252). Invitae Evidence Modeling of protein sequence and biophysical properties (such as structural, functional, and spatial information, amino acid conservation, physicochemical variation, residue mobility, and thermodynamic stability) indicates that this missense variant is not expected to disrupt JAK2 protein function with a negative predictive value of 95%. In summary, the available evidence is currently insufficient to determine the role of this variant in disease. Therefore, it has been classified as a Variant of Uncertain Significance.

Ambry Genetics
Classification: Uncertain significance for Inborn genetic diseases. Last evaluated: 2024-08-19. Review status: criteria provided, single submitter. Criteria: Ambry Variant Classification Scheme 2023. Collection method: clinical testing. Allele origin: germline.

NM_004972.4(JAK2):c.1364C>T (p.Thr455Ile)

Genes: INSL6 (insulin like 6; minus strand), JAK2 (Janus kinase 2; plus strand). Cytogenetic location: 9p24.1.
Variant type: single nucleotide variant.
Coding change: c.1364C>T on transcript NM_004972.4 (MANE Select); coding-DNA position 1364, C replaced by T.
Protein change: p.Thr455Ile; replaces threonine 455 with isoleucine.
Molecular consequence: missense variant. On other transcripts: non-coding transcript variant (2).
Genome position (GRCh38, 1-based): chr9:5,069,059, C>T. VCF-style: chr9-5069059-C-T. GRCh37 (hg19) VCF-style: chr9-5069059-C-T.
Other names: c.1364C>T, p.Thr455Ile (NM_001322194.2, NM_001322195.2, NM_001322196.2); c.149C>T, p.Thr50Ile (NM_001322198.2, NM_001322199.2); c.917C>T, p.Thr306Ile (NM_001322204.2); short protein forms T306I, T455I, T50I.
Identifiers: ClinVar variation 3531252 (VCV003531252.2).